The following is an entry in ClinVar:

ClinVar aggregate classification (germline): Uncertain significance. Review status: criteria provided, multiple submitters, no conflicts (2 of 4 stars). 2 submissions from 2 submitters: Uncertain significance (2). Last evaluated 2025-02-26.

Conditions:
Catecholaminergic polymorphic ventricular tachycardia (CVPT). Also called: Catecholamine-induced polymorphic ventricular tachycardia. Identifiers: Orphanet 3286, MedGen C5574922, MONDO:0017990.
Catecholaminergic polymorphic ventricular tachycardia 1. Also called: VENTRICULAR TACHYCARDIA, CATECHOLAMINERGIC POLYMORPHIC, 1, WITH OR WITHOUT ATRIAL DYSFUNCTION AND/OR DILATED CARDIOMYOPATHY; RYR2-Related Catecholaminergic Polymorphic Ventricular Tachycardia; VENTRICULAR TACHYCARDIA, STRESS-INDUCED POLYMORPHIC 1. Identifiers: Orphanet 3286, MedGen C1631597, MONDO:0011484, OMIM 604772.

Allele frequency attached by ClinVar (database versions not stated): gnomAD exomes below 0.00001.
gnomAD v4.1: 1 of 1,611,070 alleles (0.000062%); highest among the groups gnomAD compares: Non-Finnish European, 0.000085%; no homozygotes.

Submissions (2):

Labcorp Genetics (formerly Invitae), Labcorp
Classification: Uncertain significance for Catecholaminergic polymorphic ventricular tachycardia 1. Last evaluated: 2025-02-26. Review status: criteria provided, single submitter. Criteria: Invitae Variant Classification Sherloc (09022015). Collection method: clinical testing. Allele origin: germline.
Comment: This sequence change replaces leucine, which is neutral and non-polar, with phenylalanine, which is neutral and non-polar, at codon 874 of the RYR2 protein (p.Leu874Phe). This variant is not present in population databases (gnomAD no frequency). This variant has not been reported in the literature in individuals affected with RYR2-related conditions. ClinVar contains an entry for this variant (Variation ID: 3073848). Invitae Evidence Modeling of protein sequence and biophysical properties (such as structural, functional, and spatial information, amino acid conservation, physicochemical variation, residue mobility, and thermodynamic stability) indicates that this missense variant is expected to disrupt RYR2 protein function with a positive predictive value of 95%. In summary, the available evidence is currently insufficient to determine the role of this variant in disease. Therefore, it has been classified as a Variant of Uncertain Significance.

All of Us Research Program, National Institutes of Health
Classification: Uncertain significance for Catecholaminergic polymorphic ventricular tachycardia. Last evaluated: 2023-10-06. Review status: criteria provided, single submitter. Criteria: ACMG Guidelines, 2015. Collection method: clinical testing. Allele origin: germline. Inheritance: Autosomal dominant inheritance. Observed: 1 variant allele, 1 heterozygote.
Comment: This missense variant replaces leucine with phenylalanine at codon 874 of the RYR2 protein. Computational prediction suggests that this variant may have deleterious impact on protein structure and function (internally defined REVEL score threshold >= 0.7, PMID: 27666373). To our knowledge, functional studies have not been reported for this variant. This variant has not been reported in individuals affected with RYR2-related disorders in the literature. This variant has not been identified in the general population by the Genome Aggregation Database (gnomAD). The available evidence is insufficient to determine the role of this variant in disease conclusively. Therefore, this variant is classified as a Variant of Uncertain Significance.

This study involves interpretation of variants in research participants for the purpose of population health screening. Participant phenotype was not available at the time of variant classification. Additional details can be found in publication PMID: 35346344, PMCID: PMC8962531

NM_001035.3(RYR2):c.2622G>T (p.Leu874Phe)

Gene: RYR2 (ryanodine receptor 2; plus strand). Cytogenetic location: 1q43.
Variant type: single nucleotide variant.
Coding change: c.2622G>T on transcript NM_001035.3 (MANE Select); coding-DNA position 2622, G replaced by T.
Protein change: p.Leu874Phe; replaces leucine 874 with phenylalanine.
Molecular consequence: missense variant.
Genome position (GRCh38, 1-based): chr1:237,506,718, G>T. VCF-style: chr1-237506718-G-T. GRCh37 (hg19) VCF-style: chr1-237670018-G-T.
Other names: short protein forms L874F.
Identifiers: ClinVar variation 3073848 (VCV003073848.2), dbSNP rs2545920114, ClinGen allele CA345380933.